The following is an entry in ClinVar:

NM_005188.4(CBL):c.1368T>G (p.Asp456Glu)

Gene: CBL (Cbl proto-oncogene; plus strand). Cytogenetic location: 11q23.3.
Variant type: single nucleotide variant.
Coding change: c.1368T>G on transcript NM_005188.4 (MANE Select); coding-DNA position 1368, T replaced by G.
Protein change: p.Asp456Glu; replaces aspartic acid 456 with glutamic acid.
Molecular consequence: missense variant.
Genome position (GRCh38, 1-based): chr11:119,278,650, T>G. VCF-style: chr11-119278650-T-G. GRCh37 (hg19) VCF-style: chr11-119149360-T-G.
Other names: short protein forms D456E.
Identifiers: ClinVar variation 3485600 (VCV003485600.1).

ClinVar aggregate classification (germline): Uncertain significance (1 of 4 stars; one submission).

Conditions:
Cardiovascular phenotype. Identifiers: MedGen CN230736.

Submission:

Ambry Genetics
Classification: Uncertain significance for Cardiovascular phenotype. Last evaluated: 2024-10-28. Review status: criteria provided, single submitter. Criteria: Ambry Variant Classification Scheme 2023. Collection method: clinical testing. Allele origin: germline.
Comment: The p.D456E variant (also known as c.1368T>G), located in coding exon 9 of the CBL gene, results from a T to G substitution at nucleotide position 1368. The aspartic acid at codon 456 is replaced by glutamic acid, an amino acid with highly similar properties. This amino acid position is conserved. In addition, this alteration is predicted to be tolerated by in silico analysis. Based on the available evidence, the clinical significance of this variant remains unclear.